The following is an entry in ClinVar:

NM_213569.2(NEBL):c.250-214A>G

Gene: NEBL (nebulette; minus strand). Cytogenetic location: 10p12.31.
Variant type: single nucleotide variant.
Coding change: c.250-214A>G on transcript NM_213569.2; 214 bases into the intron before coding-DNA position 250, A replaced by G.
Molecular consequence: intron variant.
Genome position (GRCh38, 1-based): chr10:20,961,993, T>C on the plus strand (A>G on the coding strand, the complement: NEBL is on the minus strand). VCF-style: chr10-20961993-T-C. GRCh37 (hg19) VCF-style: chr10-21250922-T-C.
Other names: c.142-214A>G (NM_001377326.1, NM_001377327.1, NM_001377328.1); c.250-214A>G (NM_001173484.2, NM_001377322.1); c.193-214A>G (NM_001377324.1); c.184-214A>G (NM_001377325.1); c.202-214A>G (NM_001377323.1).
Identifiers: ClinVar variation 675773 (VCV000675773.3), dbSNP rs116187316, ClinGen allele CA204170854.

ClinVar aggregate classification (germline): Likely benign (1 of 4 stars; one submission).

Allele frequency attached by ClinVar (database versions not stated): 1000 Genomes Project 30x 0.00953; gnomAD 0.00853 and 0.00914; 1000 Genomes Project 0.00859; TOPMed 0.00944.
gnomAD v4.1: 1,287 of 152,278 alleles (0.85%); highest among the groups gnomAD compares: African/African-American, 2.7%; 18 homozygotes.

Submission:

GeneDx
Classification: Likely benign. Last evaluated: 2018-06-14. Review status: criteria provided, single submitter. Criteria: GeneDx Variant Classification (06012015). Collection method: clinical testing. Allele origin: germline. Affected: yes.
Comment: This variant is considered likely benign or benign based on one or more of the following criteria: it is a conservative change, it occurs at a poorly conserved position in the protein, it is predicted to be benign by multiple in silico algorithms, and/or has population frequency not consistent with disease.